The following is an entry in ClinVar:

NM_000053.4(ATP7B):c.1990_1991del (p.Val664fs)

Gene: ATP7B (ATPase copper transporting beta; minus strand). Cytogenetic location: 13q14.3.
Variant type: Deletion.
Coding change: c.1990_1991del on transcript NM_000053.4 (MANE Select); coding-DNA positions 1990 to 1991, 2 bases deleted (GT; older notation c.1990_1991delGT).
Protein change: p.Val664fs; shifts the reading frame from valine 664.
Molecular consequence: frameshift variant. On other transcripts: intron variant (13).
Genome position (GRCh38, 1-based): chr13:51,960,278-51,960,279, AC deleted on the plus strand (GT on the coding strand, the reverse complement: ATP7B is on the minus strand); deleting any 2 consecutive bases within chr13:51,960,278-51,960,280 gives the same sequence; the c. name uses the placement nearest the transcript's 3' end. VCF-style (leftmost placement, unchanged base first): chr13-51960277-GAC-G. GRCh37 (hg19) VCF-style: chr13-52534413-GAC-G.
Other names: c.1657_1658del, p.Val553fs (NM_001243182.2); c.1990_1991del, p.Val664fs (NM_001330578.2, NM_001406511.1, NM_001406512.1 and 16 more transcripts); c.1957_1958del, p.Val653fs (NM_001406514.1, NM_001406524.1); c.1894_1895del, p.Val632fs (NM_001406517.1, NM_001406518.1, NM_001406536.1 and 1 more transcripts); c.1561_1562del, p.Val521fs (NM_001406539.1); c.1870-2672_1870-2671del (NM_001406541.1, NM_001005918.3, NM_001406546.1 and 1 more transcripts); c.1870-1735_1870-1734del (NM_001406531.1, NM_001406532.1, NM_001406540.1 and 1 more transcripts); c.1774-1735_1774-1734del (NM_001406543.1); and 3 more; short protein forms V521fs, V553fs, V632fs, V653fs, V664fs.
Identifiers: ClinVar variation 3072408 (VCV003072408.1), dbSNP rs2547725567, ClinGen allele CA2825002201.

ClinVar aggregate classification (germline): Pathogenic (1 of 4 stars; one submission).

Conditions:
Wilson disease (WND). Also called: Wilson's disease. Identifiers: Orphanet 905, MedGen C0019202, MONDO:0010200, OMIM 277900. Disease mechanism: loss of function.

Submission:

All of Us Research Program, National Institutes of Health
Classification: Pathogenic for Wilson disease. Last evaluated: 2023-07-10. Review status: criteria provided, single submitter. Criteria: ACMG Guidelines, 2015. Collection method: clinical testing. Allele origin: germline. Inheritance: Autosomal recessive inheritance. Observed: 1 variant allele, 1 heterozygote.
Comment: This variant deletes 2 nucleotides in exon 7 of the ATP7B gene, creating a frameshift and premature translation stop signal. This variant is expected to result in an absent or non-functional protein product. To our knowledge, this variant has not been reported in individuals affected with ATP7B-related disorders in the literature. This variant has not been identified in the general population by the Genome Aggregation Database (gnomAD). Loss of ATP7B function is a known mechanism of disease. Based on the available evidence, this variant is classified as Pathogenic.

This study involves interpretation of variants in research participants for the purpose of population health screening. Participant phenotype was not available at the time of variant classification. Additional details can be found in publication PMID: 35346344, PMCID: PMC8962531